The following is an entry in ClinVar:

NM_018010.4(IFT57):c.617T>C (p.Ile206Thr)

Gene: IFT57 (intraflagellar transport 57; minus strand). Cytogenetic location: 3q13.13.
Variant type: single nucleotide variant.
Coding change: c.617T>C on transcript NM_018010.4 (MANE Select); coding-DNA position 617, T replaced by C.
Protein change: p.Ile206Thr; replaces isoleucine 206 with threonine.
Molecular consequence: missense variant.
Genome position (GRCh38, 1-based): chr3:108,206,665, A>G on the plus strand (T>C on the coding strand, the complement: IFT57 is on the minus strand). VCF-style: chr3-108206665-A-G. GRCh37 (hg19) VCF-style: chr3-107925512-A-G.
Other names: short protein forms I206T.
Identifiers: ClinVar variation 4779036 (VCV004779036.1).

ClinVar aggregate classification (germline): Uncertain significance (1 of 4 stars; one submission).

Submission:

Labcorp Genetics (formerly Invitae), Labcorp
Classification: Uncertain significance. Last evaluated: 2025-10-09. Review status: criteria provided, single submitter. Criteria: Invitae Variant Classification Sherloc (09022015). Collection method: clinical testing. Allele origin: germline.
Comment: This sequence change replaces isoleucine, which is neutral and non-polar, with threonine, which is neutral and polar, at codon 206 of the IFT57 protein (p.Ile206Thr). This variant is not present in population databases (gnomAD no frequency). This variant has not been reported in the literature in individuals affected with IFT57-related conditions. An algorithm developed to predict the effect of missense changes on protein structure and function (PolyPhen-2) suggests that this variant is likely to be tolerated. In summary, the available evidence is currently insufficient to determine the role of this variant in disease. Therefore, it has been classified as a Variant of Uncertain Significance.